The following is an entry in ClinVar:

NM_000051.4(ATM):c.4889_4901dup (p.Ser1635fs)

Gene: ATM (ATM serine/threonine kinase; plus strand). Cytogenetic location: 11q22.3.
Variant type: Duplication.
Coding change: c.4889_4901dup on transcript NM_000051.4 (MANE Select); coding-DNA positions 4889 to 4901, 13 bases duplicated (ACATTATGAGAGC).
Protein change: p.Ser1635fs; shifts the reading frame from serine 1635.
Molecular consequence: frameshift variant.
Genome position (GRCh38, 1-based): chr11:108,295,039-108,295,051, ACATTATGAGAGC duplicated. VCF-style (leftmost placement, unchanged base first): chr11-108295038-G-GACATTATGAGAGC. GRCh37 (hg19) VCF-style: chr11-108165765-G-GACATTATGAGAGC.
Other names: c.4889_4901dup, p.Ser1635fs (NM_001351834.2); short protein forms S1635fs.
Identifiers: ClinVar variation 630656 (VCV000630656.4), dbSNP rs1565466585, ClinGen allele CA913188407.

ClinVar aggregate classification (germline): Pathogenic (1 of 4 stars; one submission).

Conditions:
Hereditary cancer-predisposing syndrome. Also called: Tumor predisposition; Neoplastic Syndromes, Hereditary; Hereditary neoplastic syndrome; Hereditary Cancer Syndrome. Identifiers: Orphanet 140162, MedGen C0027672, MeSH D009386, MONDO:0015356.

Submission:

Color Diagnostics, LLC DBA Color Health
Classification: Pathogenic for Hereditary cancer-predisposing syndrome. Last evaluated: 2020-05-14. Review status: criteria provided, single submitter. Criteria: ACMG Guidelines, 2015. Collection method: clinical testing. Allele origin: germline.
Comment: This variant inserts 13 nucleotides in exon 32 of the ATM gene, creating a frameshift and premature translation stop signal. This variant is expected to result in an absent or non-functional protein product. To our knowledge, this variant has not been reported in individuals affected with hereditary cancer in the literature. This variant has not been identified in the general population by the Genome Aggregation Database (gnomAD). Loss of ATM function is a known mechanism of disease. Based on the available evidence, this variant is classified as Pathogenic.